The following is an entry in ClinVar:

NM_020361.5(CPA6):c.677T>A (p.Met226Lys)

Genes: ARFGEF1-DT (ARFGEF1 divergent transcript; plus strand), CPA6 (carboxypeptidase A6; minus strand). Cytogenetic location: 8q13.2.
Variant type: single nucleotide variant.
Coding change: c.677T>A on transcript NM_020361.5 (MANE Select); coding-DNA position 677, T replaced by A.
Protein change: p.Met226Lys; replaces methionine 226 with lysine.
Molecular consequence: missense variant.
Genome position (GRCh38, 1-based): chr8:67,484,749, A>T on the plus strand (T>A on the coding strand, the complement: CPA6 is on the minus strand). VCF-style: chr8-67484749-A-T. GRCh37 (hg19) VCF-style: chr8-68396984-A-T.
Other names: short protein forms M226K.
Identifiers: ClinVar variation 943243 (VCV000943243.9), dbSNP rs1247779941, ClinGen allele CA371261132.
Genomic context (GRCh38, chr8:67,484,749, plus strand): 5'-CTAAAATGGTATCCATCGACGTTAAACACAGGCATGATATAGAAATATAGATGATTCAAC[A>T]TTTTTCTCATGGCTGGGTCACTCTTATATGTTAGAAGAGCCTAAAAGACAAAGGTGAGAT-3'
Protein context (NP_065094.3, residues 216-236): TYKSDPAMRK[Met226Lys]LNHLYFYIMP

ClinVar aggregate classification (germline): Uncertain significance (1 of 4 stars; one submission).

Conditions:
Febrile seizures, familial, 11 (FEB11). Also called: CONVULSIONS, FAMILIAL FEBRILE, 11. Identifiers: MedGen C3280734, MONDO:0024566, OMIM 614418.

Allele frequency attached by ClinVar (database versions not stated): gnomAD exomes below 0.00001; TOPMed below 0.00001; gnomAD 0.00001.
gnomAD v4.1: 2 of 1,610,304 alleles (0.00012%); highest among the groups gnomAD compares: African/African-American, 0.0027%; no homozygotes.

Submission:

Labcorp Genetics (formerly Invitae), Labcorp
Classification: Uncertain significance for Febrile seizures, familial, 11. Last evaluated: 2022-09-06. Review status: criteria provided, single submitter. Criteria: Invitae Variant Classification Sherloc (09022015). Collection method: clinical testing. Allele origin: germline.
Comment: In summary, the available evidence is currently insufficient to determine the role of this variant in disease. Therefore, it has been classified as a Variant of Uncertain Significance. Algorithms developed to predict the effect of missense changes on protein structure and function are either unavailable or do not agree on the potential impact of this missense change (SIFT: "Deleterious"; PolyPhen-2: "Benign"; Align-GVGD: "Class C0"). ClinVar contains an entry for this variant (Variation ID: 943243). This variant has not been reported in the literature in individuals affected with CPA6-related conditions. This variant is present in population databases (no rsID available, gnomAD 0.01%). This sequence change replaces methionine, which is neutral and non-polar, with lysine, which is basic and polar, at codon 226 of the CPA6 protein (p.Met226Lys).